The following is an entry in ClinVar:

NM_000038.6(APC):c.6716G>T (p.Ser2239Ile)

Gene: APC (APC regulator of Wnt signaling pathway; plus strand). Cytogenetic location: 5q22.2.
Variant type: single nucleotide variant.
Coding change: c.6716G>T on transcript NM_000038.6 (MANE Select); coding-DNA position 6716, G replaced by T.
Protein change: p.Ser2239Ile; replaces serine 2239 with isoleucine.
Molecular consequence: missense variant. On other transcripts: non-coding transcript variant (2).
Genome position (GRCh38, 1-based): chr5:112,842,310, G>T. VCF-style: chr5-112842310-G-T. GRCh37 (hg19) VCF-style: chr5-112178007-G-T.
Other names: c.6716G>T, p.Ser2239Ile (NM_001127510.3, NM_001354895.2, NM_001407450.1); c.6662G>T, p.Ser2221Ile (NM_001127511.3); c.6770G>T, p.Ser2257Ile (NM_001354896.2, NM_001407447.1, NM_001407448.1 and 1 more transcripts); c.6746G>T, p.Ser2249Ile (NM_001354897.2); c.6641G>T, p.Ser2214Ile (NM_001354898.2); c.6632G>T, p.Ser2211Ile (NM_001354899.2); c.6593G>T, p.Ser2198Ile (NM_001354900.2); c.6539G>T, p.Ser2180Ile (NM_001354901.2, NM_001407453.1); and 11 more; short protein forms S2079I, S2113I, S2198I, S2221I, S2257I, S2267I, S1855I, S2148I.
Identifiers: ClinVar variation 2566983 (VCV002566983.2), dbSNP rs2149971376, ClinGen allele CA16036011.
Genomic context (GRCh38, chr5:112,842,310, plus strand): 5'-CAAACATGCCTTCAATCTCTCGAGGCAGGACAATGATTCATATTCCAGGAGTTCGAAATA[G>T]CTCCTCAAGTACAAGTCCTGTTTCTAAAAAAGGCCCACCCCTTAAGACTCCAGCCTCCAA-3'
Protein context (NP_000029.2, residues 2229-2249): TMIHIPGVRN[Ser2239Ile]SSSTSPVSKK

ClinVar aggregate classification (germline): Uncertain significance (1 of 4 stars; one submission).

Conditions:
Hereditary cancer-predisposing syndrome. Also called: Hereditary neoplastic syndrome; Hereditary Cancer Syndrome; Neoplastic Syndromes, Hereditary; Tumor predisposition. Identifiers: Orphanet 140162, MedGen C0027672, MeSH D009386, MONDO:0015356.

Allele frequency attached by ClinVar (database versions not stated): gnomAD exomes below 0.00001.
gnomAD v4.1: 1 of 1,613,740 alleles (0.000062%); highest among the groups gnomAD compares: East Asian, 0.0022%; no homozygotes.

Submission:

Ambry Genetics
Classification: Uncertain significance for Hereditary cancer-predisposing syndrome. Last evaluated: 2023-04-18. Review status: criteria provided, single submitter. Criteria: Ambry Variant Classification Scheme 2023. Collection method: clinical testing. Allele origin: germline.
Comment: The p.S2239I variant (also known as c.6716G>T), located in coding exon 15 of the APC gene, results from a G to T substitution at nucleotide position 6716. The serine at codon 2239 is replaced by isoleucine, an amino acid with dissimilar properties. This amino acid position is conserved. In addition, in silico predictors for this gene do not accurately predict pathogenicity. Since supporting evidence is limited at this time, the clinical significance of this alteration remains unclear.